The following is an entry in ClinVar:

NM_024496.4(IRF2BPL):c.2215T>C (p.Cys739Arg)

Gene: IRF2BPL (interferon regulatory factor 2 binding protein like; minus strand). Cytogenetic location: 14q24.3.
Variant type: single nucleotide variant.
Coding change: c.2215T>C on transcript NM_024496.4 (MANE Select); coding-DNA position 2215, T replaced by C.
Protein change: p.Cys739Arg; replaces cysteine 739 with arginine.
Molecular consequence: missense variant.
Genome position (GRCh38, 1-based): chr14:77,025,578, A>G on the plus strand (T>C on the coding strand, the complement: IRF2BPL is on the minus strand). VCF-style: chr14-77025578-A-G. GRCh37 (hg19) VCF-style: chr14-77491921-A-G.
Other names: short protein forms C739R.
Identifiers: ClinVar variation 4527182 (VCV004527182.1).
Genomic context (GRCh38, chr14:77,025,578, plus strand): 5'-GGCAATACACCTCGCCGGTGGCCCCCTGGGCCTTGATACTCTCTCTAGAGCAAGGGAAGC[A>G]AAATTTGTGGCTGGGGACGGAAGGGCACTGAACGAAATGCGTATCCTCCAAACGTTCGTG-3'
Protein context (NP_078772.1, residues 729-749): QCPSVPSHKF[Cys739Arg]FPCSRESIKA

ClinVar aggregate classification (germline): Uncertain significance (1 of 4 stars; one submission).

Submission:

GeneDx
Classification: Uncertain significance. Last evaluated: 2025-04-21. Review status: criteria provided, single submitter. Criteria: GeneDx Variant Classification Process June 2021. Collection method: clinical testing. Allele origin: germline. Affected: yes.
Comment: Not observed at significant frequency in large population cohorts (gnomAD); In silico analysis supports that this missense variant has a deleterious effect on protein structure/function; Has not been previously published as pathogenic or benign to our knowledge